The following is an entry in ClinVar:

NM_003722.5(TP63):c.1010G>A (p.Arg337Gln)

Gene: TP63 (tumor protein p63; plus strand). Cytogenetic location: 3q28.
Variant type: single nucleotide variant.
Coding change: c.1010G>A on transcript NM_003722.5 (MANE Select); coding-DNA position 1010, G replaced by A.
Protein change: p.Arg337Gln; replaces arginine 337 with glutamine.
Molecular consequence: missense variant.
Genome position (GRCh38, 1-based): chr3:189,868,597, G>A. VCF-style: chr3-189868597-G-A. GRCh37 (hg19) VCF-style: chr3-189586386-G-A.
Other names: R298Q; c.1010G>A, p.Arg337Gln (NM_001114978.2, NM_001114979.2, NM_001329144.2 and 1 more transcripts); c.728G>A, p.Arg243Gln (NM_001114980.2, NM_001114981.2, NM_001114982.2 and 2 more transcripts); c.473G>A, p.Arg158Gln (NM_001329146.2, NM_001329150.2); c.1004G>A, p.Arg335Gln (NM_001329964.2); short protein forms R337Q, R158Q, R243Q, R335Q.
Identifiers: ClinVar variation 6540 (VCV000006540.11), dbSNP rs113993967, ClinGen allele CA340599.

ClinVar aggregate classification (germline): Pathogenic/Likely pathogenic. Review status: criteria provided, multiple submitters, no conflicts (2 of 4 stars). 4 submissions from 4 submitters: Pathogenic (2); Likely pathogenic (1). 1 of the submissions does not count toward it. Last evaluated 2024-12-31.

Conditions:
TP63-related disorder. Also called: TP63-related condition; TP63-Related Disorders. Identifiers: MedGen CN380159.
TP63-Related Spectrum Disorders.
ADULT syndrome. Also called: ACRO-DERMATO-UNGUAL-LACRIMAL-TOOTH SYNDROME; Acro-dermato-ungual-lacrimal-tooth (adult) syndrome; Acro-Dermo-Ungual-Lacrimal-Tooth Syndrome (ADULT Syndrome). Identifiers: Orphanet 978, MedGen C1863204, MONDO:0007072, OMIM 103285.

Allele frequency attached by ClinVar (database versions not stated): TOPMed below 0.00001.

Submissions (4):

Labcorp Genetics (formerly Invitae), Labcorp
Classification: Pathogenic. Last evaluated: 2024-12-31. Review status: criteria provided, single submitter. Criteria: Invitae Variant Classification Sherloc (09022015). Collection method: clinical testing. Allele origin: germline.
Comment: This sequence change replaces arginine, which is basic and polar, with glutamine, which is neutral and polar, at codon 337 of the TP63 protein (p.Arg337Gln). This variant is not present in population databases (gnomAD no frequency). This missense change has been observed in individual(s) with TP63-related disorders and ectodermal dysplasia and ARVC (PMID: 8456838, 11929852, 16724007, 18603493, 19781362, 27469932). It has also been observed to segregate with disease in related individuals. This variant is also known as p.Arg298Gln. ClinVar contains an entry for this variant (Variation ID: 6540). Invitae Evidence Modeling incorporating data from in vitro experimental studies (internal data) indicates that this missense variant is expected to disrupt TP63 function with a positive predictive value of 95%. Experimental studies have shown that this missense change affects TP63 function (PMID: 11929852, 16724007, 18626511, 20543567). This variant disrupts the p.Arg337 amino acid residue in TP63. Other variant(s) that disrupt this residue have been observed in individuals with TP63-related conditions (PMID: 16724007), which suggests that this may be a clinically significant amino acid residue. For these reasons, this variant has been classified as Pathogenic.

Blueprint Genetics
Classification: Pathogenic for TP63-related disorders. Last evaluated: 2024-10-25. Review status: criteria provided, single submitter. Criteria: ACMG Guidelines, 2015. Collection method: clinical testing. Allele origin: germline. Affected: yes. Observed: 5 variant alleles.

Revvity Omics, Revvity
Classification: Likely pathogenic. Last evaluated: 2021-04-23. Review status: criteria provided, single submitter. Criteria: ACMG Guidelines, 2015. Collection method: clinical testing. Allele origin: germline.

OMIM
Classification: Pathogenic for ADULT SYNDROME. Last evaluated: 2008-09-01. Review status: no assertion criteria provided. Collection method: literature only. Allele origin: germline. Not counted in ClinVar's aggregate classification.

Literature cited by the submitters: PubMed 8456838 (cited by Labcorp Genetics (formerly Invitae), Labcorp); PubMed 11929852 (cited by Labcorp Genetics (formerly Invitae), Labcorp and OMIM); PubMed 16724007 (cited by Labcorp Genetics (formerly Invitae), Labcorp and OMIM); PubMed 18603493 (cited by Labcorp Genetics (formerly Invitae), Labcorp and OMIM); PubMed 19781362 (cited by Labcorp Genetics (formerly Invitae), Labcorp); PubMed 27469932 (cited by Labcorp Genetics (formerly Invitae), Labcorp); PubMed 18626511 (cited by Labcorp Genetics (formerly Invitae), Labcorp); PubMed 20543567 (cited by Labcorp Genetics (formerly Invitae), Labcorp).